The following is an entry in ClinVar:

NM_002294.3(LAMP2):c.929-9del

Gene: LAMP2 (lysosome associated membrane protein 2; minus strand). Cytogenetic location: Xq24.
Variant type: Deletion.
Coding change: c.929-9del on transcript NM_002294.3 (MANE Select); 9 bases into the intron before coding-DNA position 929, one base deleted (T; older notation c.929-9delT).
Molecular consequence: intron variant.
Genome position (GRCh38, 1-based): chrX:120,441,903, A deleted on the plus strand (T on the coding strand, the reverse complement: LAMP2 is on the minus strand); the first of 4 consecutive A bases (chrX:120,441,903-120,441,906); deleting any one gives the same sequence. VCF-style (leftmost placement, unchanged base first): chrX-120441902-GA-G. GRCh37 (hg19) VCF-style: chrX-119575757-GA-G.
Other names: c.929-9del (NM_001122606.1, NM_013995.2); c.929-9delT (NM_002294.2).
Identifiers: ClinVar variation 1593136 (VCV001593136.10), dbSNP rs1338648665, ClinGen allele CA870728895.

ClinVar aggregate classification (germline): Benign. Review status: criteria provided, single submitter (1 of 4 stars). 2 submissions from 2 submitters: Benign (1). 1 of the submissions does not count toward it. Last evaluated 2025-07-25.

Conditions:
LAMP2-related disorder. Also called: LAMP2-related condition.
Danon disease. Also called: ANTOPOL DISEASE; GSD IIb; LYSOSOMAL GLYCOGEN STORAGE DISEASE WITHOUT ACID MALTASE DEFICIENCY; PSEUDOGLYCOGENOSIS II; Glycogen Storage Disease Type IIb. Identifiers: Orphanet 34587, MedGen C0878677, MONDO:0010281, OMIM 300257.

Submissions (2):

Labcorp Genetics (formerly Invitae), Labcorp
Classification: Benign for Danon disease. Last evaluated: 2025-07-25. Review status: criteria provided, single submitter. Criteria: Invitae Variant Classification Sherloc (09022015). Collection method: clinical testing. Allele origin: germline.

PreventionGenetics, part of Exact Sciences
Classification: Likely benign for LAMP2-related condition. Last evaluated: 2020-10-23. Review status: no assertion criteria provided. Collection method: clinical testing. Allele origin: germline. Not counted in ClinVar's aggregate classification.
Comment: This variant is classified as likely benign based on ACMG/AMP sequence variant interpretation guidelines (Richards et al. 2015 PMID: 25741868, with internal and published modifications).